The following is an entry in ClinVar:

NM_004187.5(KDM5C):c.1746+4_1746+7dup

Gene: KDM5C (lysine demethylase 5C; minus strand). Cytogenetic location: Xp11.22.
Variant type: Duplication.
Coding change: c.1746+4_1746+7dup on transcript NM_004187.5 (MANE Select); bases 4 to 7 of the intron after coding-DNA position 1746, 4 bases duplicated (AGTA; older notation c.1746+4_1746+7dupAGTA).
Molecular consequence: intron variant.
Genome position (GRCh38, 1-based): chrX:53,210,407-53,210,410, TACT duplicated on the plus strand (AGTA on the coding strand, the reverse complement: KDM5C is on the minus strand). VCF-style (leftmost placement, unchanged base first): chrX-53210406-G-GTACT. GRCh37 (hg19) VCF-style: chrX-53239588-G-GTACT.
Other names: c.1743+4_1743+7dup (NM_001353982.2, NM_001353979.2, NM_001282622.3); c.1746+4_1746+7dup (NM_001353981.2, NM_001353984.2, NM_001353978.3); c.1545+4_1545+7dup (NM_001146702.2).
Identifiers: ClinVar variation 3389964 (VCV003389964.14).

ClinVar aggregate classification (germline): Uncertain significance. Review status: criteria provided, multiple submitters, no conflicts (2 of 4 stars). 2 submissions from 2 submitters: Uncertain significance (2). Last evaluated 2026-01-13.

Conditions:
Intellectual developmental disorder, X-linked, syndromic, Claes-Jensen type. Also called: INTELLECTUAL DEVELOPMENTAL DISORDER, X-LINKED, SYNDROMIC 16; MENTAL RETARDATION, X-LINKED, SYNDROMIC 16; Syndromic X-linked intellectual disability Claes-Jensen type. Identifiers: Orphanet 85279, MedGen C1845243, MONDO:0010355, OMIM 300534.

Submissions (2):

3billion
Classification: Uncertain significance for Intellectual developmental disorder, X-linked, syndromic, Claes-Jensen type. Last evaluated: 2026-01-13. Review status: criteria provided, single submitter. Criteria: ACMG Guidelines, 2015. Collection method: clinical testing. Allele origin: germline. Affected: yes.
Comment: The variant is not observed in the gnomAD v4.1.0 dataset. Predicted Consequence/Location: Intron variant In silico tools predict the variant to alter splicing and produce an abnormal transcript [SpliceAI: 0.99 (>=0.2, moderate evidence for spliceogenicity)]. The variant has been reported as of uncertain significance (ClinVar ID: VCV003389964). Therefore, this variant is classified as VUS according to the recommendation of ACMG/AMP guideline.

CeGaT Center for Human Genetics Tuebingen
Classification: Uncertain significance. Last evaluated: 2024-10-01. Review status: criteria provided, single submitter. Criteria: CeGaT Center For Human Genetics Tuebingen Variant Classification Criteria Version 2. Collection method: clinical testing. Allele origin: germline. Affected: yes. Observed: 1 variant allele.
Comment: KDM5C: PM2, PS2:Moderate, PP3